The following is an entry in ClinVar:

ClinVar aggregate classification (germline): Pathogenic (1 of 4 stars; one submission).

Conditions:
Hereditary cancer-predisposing syndrome. Also called: Hereditary Cancer Syndrome; Hereditary neoplastic syndrome; Neoplastic Syndromes, Hereditary; Tumor predisposition. Identifiers: Orphanet 140162, MedGen C0027672, MeSH D009386, MONDO:0015356.

Submission:

Ambry Genetics
Classification: Pathogenic for Hereditary cancer-predisposing syndrome. Last evaluated: 2020-08-28. Review status: criteria provided, single submitter. Criteria: Ambry Variant Classification Scheme 2023. Collection method: clinical testing. Allele origin: germline.
Comment: The c.1043delA pathogenic mutation, located in coding exon 7 of the BRIP1 gene, results from a deletion of one nucleotide at nucleotide position 1043, causing a translational frameshift with a predicted alternate stop codon (p.K348Rfs*11). This alteration is expected to result in loss of function by premature protein truncation or nonsense-mediated mRNA decay. As such, this alteration is interpreted as a disease-causing mutation.

NM_032043.3(BRIP1):c.1043del (p.Lys348fs)

Gene: BRIP1 (BRCA1 interacting DNA helicase 1; minus strand). Cytogenetic location: 17q23.2.
Variant type: Deletion.
Coding change: c.1043del on transcript NM_032043.3 (MANE Select); coding-DNA position 1043, one base deleted (A; older notation c.1043delA).
Protein change: p.Lys348fs; shifts the reading frame from lysine 348.
Molecular consequence: frameshift variant.
Genome position (GRCh38, 1-based): chr17:61,801,350, T deleted on the plus strand (A on the coding strand, the reverse complement: BRIP1 is on the minus strand); the first of 3 consecutive T bases (chr17:61,801,350-61,801,352); deleting any one gives the same sequence. VCF-style (leftmost placement, unchanged base first): chr17-61801349-CT-C. GRCh37 (hg19) VCF-style: chr17-59878710-CT-C.
Other names: c.1043delA (NM_032043.2); short protein forms K348fs.
Identifiers: ClinVar variation 1774729 (VCV001774729.2), dbSNP rs2545153892, ClinGen allele CA2580094630.